The following is an entry in ClinVar:

NM_000229.2(LCAT):c.122A>G (p.Glu41Gly)

Genes: LCAT (lecithin-cholesterol acyltransferase; minus strand), SLC12A4 (solute carrier family 12 member 4; minus strand). Cytogenetic location: 16q22.1.
Variant type: single nucleotide variant.
Coding change: c.122A>G on transcript NM_000229.2 (MANE Select); coding-DNA position 122, A replaced by G.
Protein change: p.Glu41Gly; replaces glutamic acid 41 with glycine.
Molecular consequence: missense variant. On other transcripts: 3 prime UTR variant (5).
Genome position (GRCh38, 1-based): chr16:67,943,980, T>C on the plus strand (A>G on the coding strand, the complement: LCAT is on the minus strand). VCF-style: chr16-67943980-T-C. GRCh37 (hg19) VCF-style: chr16-67977883-T-C.
Other names: c.*860A>G (NM_001145961.2, NM_001145962.1, NM_001145963.2 and 2 more transcripts); short protein forms E41G.
Identifiers: ClinVar variation 4614485 (VCV004614485.1).

ClinVar aggregate classification (germline): Uncertain significance (1 of 4 stars; one submission).

Conditions:
Cardiovascular phenotype. Identifiers: MedGen CN230736.

Submission:

Ambry Genetics
Classification: Uncertain significance for Cardiovascular phenotype. Last evaluated: 2025-12-02. Review status: criteria provided, single submitter. Criteria: Ambry Variant Classification Scheme 2023. Collection method: clinical testing. Allele origin: germline.
Comment: The p.E41G variant (also known as c.122A>G), located in coding exon 1 of the LCAT gene, results from an A to G substitution at nucleotide position 122. The glutamic acid at codon 41 is replaced by glycine, an amino acid with similar properties. This amino acid position is conserved. In addition, the in silico prediction for this alteration is inconclusive. Based on the available evidence, the clinical significance of this variant remains unclear.